The following is an entry in ClinVar:

ClinVar aggregate classification (germline): Uncertain significance (1 of 4 stars; one submission).

gnomAD v4.1: 1 of 1,614,124 alleles (0.000062%); highest among the groups gnomAD compares: Non-Finnish European, 0.000085%; no homozygotes.

Submission:

Labcorp Genetics (formerly Invitae), Labcorp
Classification: Uncertain significance for Combined immunodeficiency due to DOCK8 deficiency. Last evaluated: 2022-08-23. Review status: criteria provided, single submitter. Criteria: Invitae Variant Classification Sherloc (09022015). Collection method: clinical testing. Allele origin: germline.
Comment: In summary, the available evidence is currently insufficient to determine the role of this variant in disease. Therefore, it has been classified as a Variant of Uncertain Significance. Algorithms developed to predict the effect of sequence changes on RNA splicing suggest that this variant may disrupt the consensus splice site. Algorithms developed to predict the effect of missense changes on protein structure and function (SIFT, PolyPhen-2, Align-GVGD) all suggest that this variant is likely to be tolerated. This variant has not been reported in the literature in individuals affected with DOCK8-related conditions. This variant is not present in population databases (gnomAD no frequency). This sequence change replaces valine, which is neutral and non-polar, with methionine, which is neutral and non-polar, at codon 861 of the DOCK8 protein (p.Val861Met).

NM_203447.4(DOCK8):c.2581G>A (p.Val861Met)

Gene: DOCK8 (dedicator of cytokinesis 8; plus strand). Cytogenetic location: 9p24.3.
Variant type: single nucleotide variant.
Coding change: c.2581G>A on transcript NM_203447.4 (MANE Select); coding-DNA position 2581, G replaced by A.
Protein change: p.Val861Met; replaces valine 861 with methionine.
Molecular consequence: missense variant.
Genome position (GRCh38, 1-based): chr9:379,911, G>A. VCF-style: chr9-379911-G-A. GRCh37 (hg19) VCF-style: chr9-379911-G-A.
Other names: c.2377G>A, p.Val793Met (NM_001190458.2, NM_001193536.2); short protein forms V793M, V861M.
Identifiers: ClinVar variation 2117620 (VCV002117620.3), dbSNP rs771596771, ClinGen allele CA372765069.